The following is an entry in ClinVar:

NM_000136.3(FANCC):c.602A>T (p.Glu201Val)

Genes: AOPEP (aminopeptidase O (putative); plus strand), FANCC (FA complementation group C; minus strand). Cytogenetic location: 9q22.32.
Variant type: single nucleotide variant.
Coding change: c.602A>T on transcript NM_000136.3 (MANE Select); coding-DNA position 602, A replaced by T.
Protein change: p.Glu201Val; replaces glutamic acid 201 with valine.
Molecular consequence: missense variant.
Genome position (GRCh38, 1-based): chr9:95,150,007, T>A on the plus strand (A>T on the coding strand, the complement: FANCC is on the minus strand). VCF-style: chr9-95150007-T-A. GRCh37 (hg19) VCF-style: chr9-97912289-T-A.
Other names: c.602A>T, p.Glu201Val (NM_001243743.2, NM_001243744.2); short protein forms E201V.
Identifiers: ClinVar variation 3512770 (VCV003512770.1).

ClinVar aggregate classification (germline): Uncertain significance (1 of 4 stars; one submission).

Conditions:
Hereditary cancer-predisposing syndrome. Also called: Tumor predisposition; Neoplastic Syndromes, Hereditary; Hereditary Cancer Syndrome; Hereditary neoplastic syndrome. Identifiers: Orphanet 140162, MedGen C0027672, MeSH D009386, MONDO:0015356.

Submission:

Ambry Genetics
Classification: Uncertain significance for Hereditary cancer-predisposing syndrome. Last evaluated: 2024-08-11. Review status: criteria provided, single submitter. Criteria: Ambry Variant Classification Scheme 2023. Collection method: clinical testing. Allele origin: germline.
Comment: The p.E201V variant (also known as c.602A>T), located in coding exon 6 of the FANCC gene, results from an A to T substitution at nucleotide position 602. The glutamic acid at codon 201 is replaced by valine, an amino acid with dissimilar properties. This amino acid position is conserved. In addition, the in silico prediction for this alteration is inconclusive. Based on the available evidence, the clinical significance of this variant remains unclear.